The following is an entry in ClinVar:

NC_012920.1(MT-ND5):m.13769_13787del

Gene: MT-ND5 (mitochondrially encoded NADH dehydrogenase 5; plus strand).
Variant type: Deletion.
Genome position: chrM-13760-CATCCCCCTTCCAAACAACA-C.
Identifiers: ClinVar variation 4795906 (VCV004795906.1).

ClinVar aggregate classification (germline): Likely pathogenic (1 of 4 stars; one submission).

Conditions:
Primary Mitochondrial Disorders. Identifiers: MedGen CN381104.

Submission:

Variantyx, Inc.
Classification: Likely pathogenic for Primary mitochondrial disorders. Last evaluated: 2025-08-07. Review status: criteria provided, single submitter. Criteria: Variantyx Assertion Criteria 2022. Collection method: clinical testing. Allele origin: germline. Affected: yes.
Comment: The m.13769_13787del, c.1433_1451del, p.Phe478fs results in a frameshift variant in the MT-ND5 gene. Pathogenic variants in this gene have been associated with primary mitochondrial disorders. It is recommended to test several tissues in the mother by NGS to fully assess for the presence and level of this mtDNA variant. This variant introduces a premature termination codon, and is expected to alter or truncate 21% of the protein (PVS1_strong). This variant is absent from control populations (PM2). Based on the current evidence, this variant is classified as likely pathogenic for primary mitochondrial disorders.